The following is an entry in ClinVar:

ClinVar aggregate classification (germline): Likely benign. Review status: criteria provided, multiple submitters, no conflicts (2 of 4 stars). 5 submissions from 5 submitters: Likely benign (5). Last evaluated 2026-07-01.

Conditions:
ADGRV1-related disorder. Also called: ADGRV1-related condition; ADGRV1-related disorders.

Allele frequency attached by ClinVar (database versions not stated): gnomAD 0.00007; gnomAD exomes 0.00007 and 0.00016; ESP Exome Variant Server 0.00008; TOPMed 0.00008; 1000 Genomes Project 30x 0.00016; 1000 Genomes Project 0.00020; ExAC 0.00021.
gnomAD v4.1: 112 of 1,611,058 alleles (0.007%); highest among the groups gnomAD compares: South Asian, 0.088%; 1 homozygote.

Submissions (5):

CeGaT Center for Human Genetics Tuebingen
Classification: Likely benign. Last evaluated: 2026-07-01. Review status: criteria provided, single submitter. Criteria: CeGaT Center For Human Genetics Tuebingen Variant Classification Criteria Version 2. Collection method: clinical testing. Allele origin: germline. Affected: yes. Observed: 1 variant allele.
Comment: ADGRV1: BP4, BP7

Labcorp Genetics (formerly Invitae), Labcorp
Classification: Likely benign. Last evaluated: 2025-11-18. Review status: criteria provided, single submitter. Criteria: Invitae Variant Classification Sherloc (09022015). Collection method: clinical testing. Allele origin: germline.

PreventionGenetics, part of Exact Sciences
Classification: Likely benign for ADGRV1-related condition. Last evaluated: 2025-11-11. Review status: criteria provided, single submitter. Criteria: ACMG Guidelines, 2015. Collection method: clinical testing. Allele origin: germline.
Comment: This variant is classified as likely benign based on ACMG/AMP sequence variant interpretation guidelines (Richards et al. 2015 PMID: 25741868, with internal and published modifications).

Blueprint Genetics
Classification: Likely benign. Last evaluated: 2023-12-28. Review status: criteria provided, single submitter. Criteria: ACMG Guidelines, 2015. Collection method: clinical testing. Allele origin: germline.

Laboratory for Molecular Medicine, Mass General Brigham Personalized Medicine
Classification: Likely benign. Last evaluated: 2012-04-30. Review status: criteria provided, single submitter. Criteria: LMM Criteria. Collection method: clinical testing. Allele origin: germline. Observed: 1 variant allele.
Comment: Asn4395Asn in Exon 65 of GPR98: This variant is not expected to have clinical si gnificance because it does not alter an amino acid residue, is not located withi n the splice consensus sequence, and has been identified in 1/6604 European Amer ican chromosomes from a broad population by the NHLBI Exome Sequencing Project.

NM_032119.4(ADGRV1):c.13185C>T (p.Asn4395=)

Gene: ADGRV1 (adhesion G protein-coupled receptor V1; plus strand). Cytogenetic location: 5q14.3.
Variant type: single nucleotide variant.
Coding change: c.13185C>T on transcript NM_032119.4 (MANE Select); coding-DNA position 13185, C replaced by T.
Protein change: p.Asn4395=; no amino-acid change (asparagine 4395 retained).
Molecular consequence: synonymous variant. On other transcripts: non-coding transcript variant (1).
Genome position (GRCh38, 1-based): chr5:90,781,532, C>T. VCF-style: chr5-90781532-C-T. GRCh37 (hg19) VCF-style: chr5-90077349-C-T.
Identifiers: ClinVar variation 178368 (VCV000178368.16), dbSNP rs371623591, ClinGen allele CA182194.